The following is an entry in ClinVar:

ClinVar aggregate classification (germline): Uncertain significance. Review status: criteria provided, multiple submitters, no conflicts (2 of 4 stars). 7 submissions from 7 submitters: Uncertain significance (3). 4 of the submissions do not count toward it. Last evaluated 2025-11-21.

Conditions:
Cardiovascular phenotype. Identifiers: MedGen CN230736.
Dilated cardiomyopathy 1DD (CMD1DD). Identifiers: Orphanet 154, MedGen C2750995, MONDO:0013168, OMIM 613172.

Allele frequency attached by ClinVar (database versions not stated): TOPMed 0.00002.
gnomAD v4.1: 46 of 1,551,648 alleles (0.003%); highest among the groups gnomAD compares: Non-Finnish European, 0.0038%; no homozygotes.

Submissions (7):

Labcorp Genetics (formerly Invitae), Labcorp
Classification: Uncertain significance for Dilated cardiomyopathy 1DD. Last evaluated: 2025-11-21. Review status: criteria provided, single submitter. Criteria: Invitae Variant Classification Sherloc (09022015). Collection method: clinical testing. Allele origin: germline.
Comment: This sequence change replaces isoleucine, which is neutral and non-polar, with phenylalanine, which is neutral and non-polar, at codon 921 of the RBM20 protein (p.Ile921Phe). This variant is present in population databases (rs397516608, gnomAD 0.007%). This missense change has been observed in individual(s) with cardiomyopathy (PMID: 30847666, 36178741). ClinVar contains an entry for this variant (Variation ID: 518226). Invitae Evidence Modeling of protein sequence and biophysical properties (such as structural, functional, and spatial information, amino acid conservation, physicochemical variation, residue mobility, and thermodynamic stability) has been performed for this missense variant. However, the output from this modeling did not meet the statistical confidence thresholds required to predict the impact of this variant on RBM20 protein function. In summary, the available evidence is currently insufficient to determine the role of this variant in disease. Therefore, it has been classified as a Variant of Uncertain Significance.

Ambry Genetics
Classification: Uncertain significance for Cardiovascular phenotype. Last evaluated: 2025-07-14. Review status: criteria provided, single submitter. Criteria: Ambry Variant Classification Scheme 2023. Collection method: clinical testing. Allele origin: germline.
Comment: The p.I921F variant (also known as c.2761A>T), located in coding exon 11 of the RBM20 gene, results from an A to T substitution at nucleotide position 2761. The isoleucine at codon 921 is replaced by phenylalanine, an amino acid with highly similar properties. This variant was reported in individual(s) with features consistent with dilated cardiomyopathy (van der Meulen MH et al. Circ Genom Precis Med, 2022 Oct;15:e002981). This amino acid position is highly conserved in available vertebrate species. In addition, the in silico prediction for this alteration is inconclusive. Based on the available evidence, the clinical significance of this variant remains unclear.

Fulgent Genetics
Classification: Uncertain significance for Dilated cardiomyopathy 1DD. Last evaluated: 2021-09-30. Review status: criteria provided, single submitter. Criteria: ACMG Guidelines, 2015. Collection method: clinical testing. Allele origin: unknown.

Clinical Genetics DNA and cytogenetics Diagnostics Lab, Erasmus MC, Erasmus Medical Center
Classification: Uncertain significance. Review status: no assertion criteria provided. Collection method: clinical testing. Allele origin: germline. Affected: yes. Study: VKGL Data-share Consensus. Not counted in ClinVar's aggregate classification.

Clinical Genetics, Academic Medical Center
Classification: Uncertain significance. Review status: no assertion criteria provided. Collection method: clinical testing. Allele origin: germline. Affected: yes. Study: VKGL Data-share Consensus. Not counted in ClinVar's aggregate classification.

Diagnostic Laboratory, Department of Genetics, University Medical Center Groningen
Classification: Uncertain significance for Dilated cardiomyopathy 1DD. Review status: no assertion criteria provided. Collection method: clinical testing. Allele origin: germline. Affected: yes. Study: VKGL Data-share Consensus. Not counted in ClinVar's aggregate classification.

Genome Diagnostics Laboratory, University Medical Center Utrecht
Classification: Uncertain significance. Review status: no assertion criteria provided. Collection method: clinical testing. Allele origin: germline. Affected: yes. Study: VKGL Data-share Consensus. Not counted in ClinVar's aggregate classification.

Literature cited by the submitters: PubMed 30847666 (cited by Labcorp Genetics (formerly Invitae), Labcorp); PubMed 36178741 (cited by Labcorp Genetics (formerly Invitae), Labcorp and Ambry Genetics).

NM_001134363.3(RBM20):c.2761A>T (p.Ile921Phe)

Gene: RBM20 (RNA binding motif protein 20; plus strand). Cytogenetic location: 10q25.2.
Variant type: single nucleotide variant.
Coding change: c.2761A>T on transcript NM_001134363.3 (MANE Select); coding-DNA position 2761, A replaced by T.
Protein change: p.Ile921Phe; replaces isoleucine 921 with phenylalanine.
Molecular consequence: missense variant.
Genome position (GRCh38, 1-based): chr10:110,821,380, A>T. VCF-style: chr10-110821380-A-T. GRCh37 (hg19) VCF-style: chr10-112581138-A-T.
Other names: c.2761A>T (LRG_382t1); short protein forms I921F.
Identifiers: ClinVar variation 518226 (VCV000518226.13), dbSNP rs397516608, ClinGen allele CA213229389.
Genomic context (GRCh38, chr10:110,821,380, plus strand): 5'-TATCCCACTAACATGGAGGAGCTGGTGACAGTGGACGAGGTTGGGGAAGAAGAAGATTTT[A>T]TCGTGGAACCAGACATCCCAGAGCTGGAAGAAATTGTGCCCATTGACCAGAAAGACAAAA-3'
Protein context (NP_001127835.2, residues 911-931): VDEVGEEEDF[Ile921Phe]VEPDIPELEE